The following is an entry in ClinVar:

ClinVar aggregate classification (germline): Uncertain significance (1 of 4 stars; one submission).

Allele frequency attached by ClinVar (database versions not stated): gnomAD 0.00003; ExAC 0.00002; gnomAD exomes 0.00002; TOPMed 0.00002.
gnomAD v4.1: 39 of 1,613,870 alleles (0.0024%); highest among the groups gnomAD compares: Non-Finnish European, 0.0031%; no homozygotes.

Submission:

Labcorp Genetics (formerly Invitae), Labcorp
Classification: Uncertain significance. Last evaluated: 2025-04-22. Review status: criteria provided, single submitter. Criteria: Invitae Variant Classification Sherloc (09022015). Collection method: clinical testing. Allele origin: germline.
Comment: This sequence change replaces arginine, which is basic and polar, with cysteine, which is neutral and slightly polar, at codon 103 of the CREB3L3 protein (p.Arg103Cys). This variant is present in population databases (rs751875949, gnomAD 0.004%). This variant has not been reported in the literature in individuals affected with CREB3L3-related conditions. ClinVar contains an entry for this variant (Variation ID: 2887440). Invitae Evidence Modeling of protein sequence and biophysical properties (such as structural, functional, and spatial information, amino acid conservation, physicochemical variation, residue mobility, and thermodynamic stability) indicates that this missense variant is not expected to disrupt CREB3L3 protein function with a negative predictive value of 80%. In summary, the available evidence is currently insufficient to determine the role of this variant in disease. Therefore, it has been classified as a Variant of Uncertain Significance.

NM_032607.3(CREB3L3):c.307C>T (p.Arg103Cys)

Gene: CREB3L3 (cAMP responsive element binding protein 3 like 3; plus strand). Cytogenetic location: 19p13.3.
Variant type: single nucleotide variant.
Coding change: c.307C>T on transcript NM_032607.3 (MANE Select); coding-DNA position 307, C replaced by T.
Protein change: p.Arg103Cys; replaces arginine 103 with cysteine.
Molecular consequence: missense variant.
Genome position (GRCh38, 1-based): chr19:4,157,145, C>T. VCF-style: chr19-4157145-C-T. GRCh37 (hg19) VCF-style: chr19-4157142-C-T.
Other names: c.304C>T, p.Arg102Cys (NM_001271995.2); c.307C>T, p.Arg103Cys (NM_001271996.2, NM_001271997.2); short protein forms R102C, R103C.
Identifiers: ClinVar variation 2887440 (VCV002887440.3), dbSNP rs751875949, ClinGen allele CA9091264.